The following is an entry in ClinVar:

ClinVar aggregate classification (germline): Conflicting classifications of pathogenicity. Review status: criteria provided, conflicting classifications (1 of 4 stars). 3 submissions from 3 submitters: Uncertain significance (1); Likely benign (2). Last evaluated 2025-09-22.

Conditions:
Hereditary cancer-predisposing syndrome. Also called: Hereditary neoplastic syndrome; Tumor predisposition; Neoplastic Syndromes, Hereditary; Hereditary Cancer Syndrome. Identifiers: Orphanet 140162, MedGen C0027672, MeSH D009386, MONDO:0015356.
Hereditary diffuse gastric adenocarcinoma (HDGC). Also called: DIFFUSE GASTRIC AND LOBULAR BREAST CANCER SYNDROME. Identifiers: Orphanet 26106, MedGen C1708349, MONDO:0007648, OMIM 137215.

gnomAD v4.1: 1 of 1,540,290 alleles (0.000065%); no homozygotes.

Submissions (3):

Labcorp Genetics (formerly Invitae), Labcorp
Classification: Likely benign for Hereditary diffuse gastric adenocarcinoma. Last evaluated: 2025-09-22. Review status: criteria provided, single submitter. Criteria: Invitae Variant Classification Sherloc (09022015). Collection method: clinical testing. Allele origin: germline.

Color Diagnostics, LLC DBA Color Health
Classification: Uncertain significance for Hereditary cancer-predisposing syndrome. Last evaluated: 2020-09-29. Review status: criteria provided, single submitter. Criteria: ACMG Guidelines, 2015. Collection method: clinical testing. Allele origin: germline.
Comment: This variant causes a C to A nucleotide substitution at the -4 position of intron 1 of the CDH1 gene. To our knowledge, functional studies have not been reported for this variant. This variant has not been reported in individuals affected with hereditary cancer in the literature. This variant has not been identified in the general population by the Genome Aggregation Database (gnomAD). The available evidence is insufficient to determine the role of this variant in disease conclusively. Therefore, this variant is classified as a Variant of Uncertain Significance.

GeneDx
Classification: Likely benign. Last evaluated: 2015-10-02. Review status: criteria provided, single submitter. Criteria: GeneDx Variant Classification (06012015). Collection method: clinical testing. Allele origin: germline. Affected: yes.
Comment: This variant is considered likely benign or benign based on one or more of the following criteria: it is a conservative change, it occurs at a poorly conserved position in the protein, it is predicted to be benign by multiple in silico algorithms, and/or has population frequency not consistent with disease.

NM_004360.5(CDH1):c.49-4C>A

Gene: CDH1 (cadherin 1; plus strand). Cytogenetic location: 16q22.1.
Variant type: single nucleotide variant.
Coding change: c.49-4C>A on transcript NM_004360.5 (MANE Select); 4 bases into the intron before coding-DNA position 49, C replaced by A.
Molecular consequence: intron variant.
Genome position (GRCh38, 1-based): chr16:68,738,293, C>A. VCF-style: chr16-68738293-C-A. GRCh37 (hg19) VCF-style: chr16-68772196-C-A.
Other names: c.-1771-4C>A (NM_001317186.2); c.-1567-4C>A (NM_001317185.2); c.49-4C>A (NM_001317184.2, LRG_301t1).
Identifiers: ClinVar variation 380961 (VCV000380961.5), dbSNP rs1057520916, ClinGen allele CA16607330.